The following is an entry in ClinVar:

ClinVar aggregate classification (germline): Benign (0 of 4 stars; one submission).

Conditions:
XIRP1-related disorder. Also called: XIRP1-related condition.

Allele frequency attached by ClinVar (database versions not stated): ExAC 0.04138; gnomAD 0.08575; ESP Exome Variant Server 0.08734; 1000 Genomes Project 0.10304; TOPMed 0.10407; 1000 Genomes Project 30x 0.11118.

Submission:

PreventionGenetics, part of Exact Sciences
Classification: Benign for XIRP1-related condition. Last evaluated: 2019-11-06. Review status: no assertion criteria provided. Collection method: clinical testing. Allele origin: germline.
Comment: This variant is classified as benign based on ACMG/AMP sequence variant interpretation guidelines (Richards et al. 2015 PMID: 25741868, with internal and published modifications).

NM_194293.4(XIRP1):c.5185G>C (p.Val1729Leu)

Gene: XIRP1 (xin actin binding repeat containing 1; minus strand). Cytogenetic location: 3p22.2.
Variant type: single nucleotide variant.
Coding change: c.5185G>C on transcript NM_194293.4 (MANE Select); coding-DNA position 5185, G replaced by C.
Protein change: p.Val1729Leu; replaces valine 1729 with leucine.
Molecular consequence: missense variant. On other transcripts: 3 prime UTR variant (1).
Genome position (GRCh38, 1-based): chr3:39,184,261, C>G on the plus strand (G>C on the coding strand, the complement: XIRP1 is on the minus strand). VCF-style: chr3-39184261-C-G. GRCh37 (hg19) VCF-style: chr3-39225752-C-G.
Other names: c.*1392G>C (NM_001198621.4); c.1234G>C, p.Val412Leu (NM_001351377.2); short protein forms V1729L, V412L.
Identifiers: ClinVar variation 3059743 (VCV003059743.2), dbSNP rs61736128, ClinGen allele CA2325706.